The following is an entry in ClinVar:

NM_000051.4(ATM):c.2817C>T (p.Thr939=)

Gene: ATM (ATM serine/threonine kinase; plus strand). Cytogenetic location: 11q22.3.
Variant type: single nucleotide variant.
Coding change: c.2817C>T on transcript NM_000051.4 (MANE Select); coding-DNA position 2817, C replaced by T.
Protein change: p.Thr939=; no amino-acid change (threonine 939 retained).
Molecular consequence: synonymous variant.
Genome position (GRCh38, 1-based): chr11:108,268,588, C>T. VCF-style: chr11-108268588-C-T. GRCh37 (hg19) VCF-style: chr11-108139315-C-T.
Other names: c.2817C>T, p.Thr939= (NM_001351834.2).
Identifiers: ClinVar variation 1078703 (VCV001078703.12), dbSNP rs1555083440, ClinGen allele CA476674034.

ClinVar aggregate classification (germline): Benign/Likely benign. Review status: criteria provided, multiple submitters, no conflicts (2 of 4 stars). 3 submissions from 3 submitters: Benign (1); Likely benign (2). Last evaluated 2026-01-28.

Conditions:
Ataxia-telangiectasia syndrome (AT). Also called: Cerebello-oculocutaneous telangiectasia; Immunodeficiency with ataxia telangiectasia; ATAXIA-TELANGIECTASIA, FRESNO VARIANT; Ataxia-telangiectasia, complementation group D; Ataxia telangiectasia (A-T); LOUIS-BAR SYNDROME. Identifiers: Orphanet 100, MedGen C0004135, MONDO:0008840, OMIM 208900.
Familial cancer of breast. Also called: BREAST CANCER, FAMILIAL; hereditary breast carcinoma; Hereditary breast cancer. Identifiers: Orphanet 227535, MedGen C0346153, MONDO:0016419, OMIM 114480. Disease mechanism: loss of function.

Submissions (3):

Labcorp Genetics (formerly Invitae), Labcorp
Classification: Likely benign for Ataxia-telangiectasia syndrome. Last evaluated: 2026-01-28. Review status: criteria provided, single submitter. Criteria: Invitae Variant Classification Sherloc (09022015). Collection method: clinical testing. Allele origin: germline.

Center for Genomic Medicine, Rigshospitalet, Copenhagen University Hospital
Classification: Likely benign. Last evaluated: 2025-03-04. Review status: criteria provided, single submitter. Criteria: ACMG Guidelines, 2015. Collection method: clinical testing. Allele origin: germline.

Myriad Genetics, Inc.
Classification: Benign for Familial cancer of breast. Last evaluated: 2024-05-10. Review status: criteria provided, single submitter. Criteria: Myriad Autosomal Dominant, Autosomal Recessive and X-Linked Classification Criteria (2023). Collection method: clinical testing. Allele origin: unknown.
Comment: This variant is considered benign. This variant is a silent/synonymous amino acid change and it is not expected to impact splicing.